The following is an entry in ClinVar:

NM_001256715.2(DNAAF3):c.-24G>A

Genes: DNAAF3 (dynein axonemal assembly factor 3; minus strand), DNAAF3-AS1 (DNAAF3 antisense RNA 1; plus strand). Cytogenetic location: 19q13.42.
Variant type: single nucleotide variant.
Coding change: c.-24G>A on transcript NM_001256715.2 (MANE Select); 24 bases upstream of the start codon, G replaced by A.
Molecular consequence: 5 prime UTR variant. On other transcripts: missense variant (2).
Genome position (GRCh38, 1-based): chr19:55,166,542, C>T on the plus strand (G>A on the coding strand, the complement: DNAAF3 is on the minus strand). VCF-style: chr19-55166542-C-T. GRCh37 (hg19) VCF-style: chr19-55677910-C-T.
Other names: c.107G>A, p.Arg36Gln (NM_001256714.1, NM_178837.4); c.-273G>A (NM_001256716.2); short protein forms R36Q.
Identifiers: ClinVar variation 1916738 (VCV001916738.5), dbSNP rs1397391020, ClinGen allele CA407463859.

ClinVar aggregate classification (germline): Uncertain significance (1 of 4 stars; one submission).

Conditions:
Primary ciliary dyskinesia. Also called: Ciliary dyskinesia. Identifiers: Orphanet 244, MedGen C0008780, MONDO:0016575, HP:0012265.

Allele frequency attached by ClinVar (database versions not stated): gnomAD exomes below 0.00001; gnomAD 0.00001; TOPMed 0.00001.
gnomAD v4.1: 4 of 1,614,044 alleles (0.00025%); highest among the groups gnomAD compares: Non-Finnish European, 0.00025%; no homozygotes.

Submission:

Labcorp Genetics (formerly Invitae), Labcorp
Classification: Uncertain significance for Primary ciliary dyskinesia. Last evaluated: 2021-12-07. Review status: criteria provided, single submitter. Criteria: Invitae Variant Classification Sherloc (09022015). Collection method: clinical testing. Allele origin: germline.
Comment: This sequence change replaces arginine, which is basic and polar, with glutamine, which is neutral and polar, at codon 36 of the DNAAF3 protein (p.Arg36Gln). This variant is not present in population databases (gnomAD no frequency). This variant has not been reported in the literature in individuals affected with DNAAF3-related conditions. Algorithms developed to predict the effect of missense changes on protein structure and function output the following: SIFT: "Tolerated"; PolyPhen-2: "Benign"; Align-GVGD: "Class C0". The glutamine amino acid residue is found in multiple mammalian species, which suggests that this missense change does not adversely affect protein function. In summary, the available evidence is currently insufficient to determine the role of this variant in disease. Therefore, it has been classified as a Variant of Uncertain Significance.